The following is an entry in ClinVar:

ClinVar aggregate classification (germline): Uncertain significance. Review status: criteria provided, multiple submitters, no conflicts (2 of 4 stars). 2 submissions from 2 submitters: Uncertain significance (2). Last evaluated 2024-06-02.

Conditions:
Dilated cardiomyopathy 1KK (CMD1KK). Identifiers: Orphanet 154, Orphanet 75249, MedGen C3714995, MONDO:0014100, OMIM 615248.
Cardiovascular phenotype. Identifiers: MedGen CN230736.

Allele frequency attached by ClinVar (database versions not stated): gnomAD exomes below 0.00001; TOPMed 0.00001.

Submissions (2):

Ambry Genetics
Classification: Uncertain significance for Cardiovascular phenotype. Last evaluated: 2024-06-02. Review status: criteria provided, single submitter. Criteria: Ambry Variant Classification Scheme 2023. Collection method: clinical testing. Allele origin: germline.
Comment: The p.E958G variant (also known as c.2873A>G), located in coding exon 12 of the MYPN gene, results from an A to G substitution at nucleotide position 2873. The glutamic acid at codon 958 is replaced by glycine, an amino acid with similar properties. This amino acid position is conserved. In addition, this alteration is predicted to be deleterious by in silico analysis. Based on the available evidence, the clinical significance of this variant remains unclear.

Labcorp Genetics (formerly Invitae), Labcorp
Classification: Uncertain significance for Dilated cardiomyopathy 1KK. Last evaluated: 2019-07-18. Review status: criteria provided, single submitter. Criteria: Invitae Variant Classification Sherloc (09022015). Collection method: clinical testing. Allele origin: germline.
Comment: This sequence change replaces glutamic acid with glycine at codon 958 of the MYPN protein (p.Glu958Gly). The glutamic acid residue is highly conserved and there is a moderate physicochemical difference between glutamic acid and glycine. This variant is not present in population databases (ExAC no frequency). This variant has not been reported in the literature in individuals with MYPN-related disease. Algorithms developed to predict the effect of missense changes on protein structure and function are either unavailable or do not agree on the potential impact of this missense change (SIFT: "Deleterious"; PolyPhen-2: "Probably Damaging"; Align-GVGD: "Class C0"). In summary, the available evidence is currently insufficient to determine the role of this variant in disease. Therefore, it has been classified as a Variant of Uncertain Significance.

NM_032578.4(MYPN):c.2873A>G (p.Glu958Gly)

Gene: MYPN (myopalladin; plus strand). Cytogenetic location: 10q21.3.
Variant type: single nucleotide variant.
Coding change: c.2873A>G on transcript NM_032578.4 (MANE Select); coding-DNA position 2873, A replaced by G.
Protein change: p.Glu958Gly; replaces glutamic acid 958 with glycine.
Molecular consequence: missense variant. On other transcripts: non-coding transcript variant (2).
Genome position (GRCh38, 1-based): chr10:68,189,074, A>G. VCF-style: chr10-68189074-A-G. GRCh37 (hg19) VCF-style: chr10-69948831-A-G.
Other names: c.2873A>G, p.Glu958Gly (NM_001256267.2); c.1991A>G, p.Glu664Gly (NM_001256268.2); c.2873A>G (NM_032578.2); short protein forms E664G, E958G.
Identifiers: ClinVar variation 660368 (VCV000660368.3), dbSNP rs1417809776, ClinGen allele CA376853878.